The following is an entry in ClinVar:

NM_003000.3(SDHB):c.500_501inv (p.Lys167Thr)

Gene: SDHB (succinate dehydrogenase complex iron sulfur subunit B; minus strand). Cytogenetic location: 1p36.13.
Variant type: Inversion.
Coding change: c.500_501inv on transcript NM_003000.3 (MANE Select).
Protein change: p.Lys167Thr; replaces lysine 167 with threonine.
Molecular consequence: missense variant.
Genome position: GRCh38 VCF-style: chr1-17027788-CT-AG. GRCh37 (hg19) VCF-style: chr1-17354283-CT-AG.
Other names: short protein forms K167T.
Identifiers: ClinVar variation 971655 (VCV000971655.7), ClinGen allele CA1139655468.

ClinVar aggregate classification (germline): Uncertain significance (1 of 4 stars; one submission).

Conditions:
Pheochromocytoma/paraganglioma syndrome 4. Also called: CAROTID BODY TUMORS AND MULTIPLE EXTRAADRENAL PHEOCHROMOCYTOMAS; SDHB-Related Hereditary Paraganglioma-Pheochromocytoma Syndrome; Paragangliomas 4; SDHB-Related Hereditary Paraganglioma-Pheochromocytoma Syndrome (Paragangliomas 4); PARAGANGLIOMA, FAMILIAL MALIGNANT; PARAGANGLIOMAS, HEREDITARY EXTRAADRENAL. Identifiers: Orphanet 29072, MedGen C1861848, MONDO:0007273, OMIM 115310.
Gastrointestinal stromal tumor. Also called: Gastrointestinal stromal tumor, somatic; Gastrointestinal stroma tumor. Identifiers: Orphanet 44890, MedGen C0238198, MeSH D046152, MONDO:0011719, OMIM 606764, HP:0100723.
Pheochromocytoma. Also called: MAX-Related Hereditary Paraganglioma-Pheochromocytoma Syndrome. Identifiers: Orphanet 29072, MedGen C0031511, MONDO:0008233, OMIM 171300, HP:0002666.

Submission:

Labcorp Genetics (formerly Invitae), Labcorp
Classification: Uncertain significance for Gastrointestinal stromal tumor; Pheochromocytoma/paraganglioma syndrome 4; Pheochromocytoma. Last evaluated: 2022-09-13. Review status: criteria provided, single submitter. Criteria: Invitae Variant Classification Sherloc (09022015). Collection method: clinical testing. Allele origin: germline.
Comment: This sequence change replaces lysine, which is basic and polar, with threonine, which is neutral and polar, at codon 167 of the SDHB protein (p.Lys167Thr). Information on the frequency of this variant in the gnomAD database is not available, as this variant may be reported differently in the database. This variant has not been reported in the literature in individuals affected with SDHB-related conditions. ClinVar contains an entry for this variant (Variation ID: 971655). Algorithms developed to predict the effect of missense changes on protein structure and function are either unavailable or do not agree on the potential impact of this missense change (SIFT: "Not Available"; PolyPhen-2: "Benign"; Align-GVGD: "Not Available"). In summary, the available evidence is currently insufficient to determine the role of this variant in disease. Therefore, it has been classified as a Variant of Uncertain Significance.